The following is an entry in ClinVar:

ClinVar aggregate classification (germline): Uncertain significance (1 of 4 stars; one submission).

Submission:

GeneDx
Classification: Uncertain significance. Last evaluated: 2018-03-23. Review status: criteria provided, single submitter. Criteria: GeneDx Variant Classification (06012015). Collection method: clinical testing. Allele origin: germline. Affected: yes.
Comment: The Q826X variant in the CACNA1G gene has not been reported previously as a pathogenic variant nor as a benign variant, to our knowledge. This variant is predicted to cause loss of normal protein function either through protein truncation or nonsense-mediated mRNA decay. However, loss of function is not a known mechanism of disease for the CACNA1G gene. The Q826X variant is not observed in large population cohorts (Lek et al., 2016; 1000 Genomes Consortium et al., 2015; Exome Variant Server). We interpret Q826X as a variant of uncertain significance.

NM_018896.5(CACNA1G):c.2476C>T (p.Gln826Ter)

Gene: CACNA1G (calcium voltage-gated channel subunit alpha1 G; plus strand). Cytogenetic location: 17q21.33.
Variant type: single nucleotide variant.
Coding change: c.2476C>T on transcript NM_018896.5 (MANE Select); coding-DNA position 2476, C replaced by T.
Protein change: p.Gln826Ter; replaces glutamine 826 with a stop codon.
Molecular consequence: nonsense. On other transcripts: non-coding transcript variant (5).
Genome position (GRCh38, 1-based): chr17:50,591,457, C>T. VCF-style: chr17-50591457-C-T. GRCh37 (hg19) VCF-style: chr17-48668818-C-T.
Other names: c.2476C>T, p.Gln826Ter (NM_001256324.2, NM_001256325.2, NM_001256326.2 and 24 more transcripts); short protein forms Q826*.
Identifiers: ClinVar variation 488994 (VCV000488994.2), dbSNP rs1287850774, ClinGen allele CA400248206.